The following is an entry in ClinVar:

NM_000321.3(RB1):c.746C>G (p.Ser249Ter)

Gene: RB1 (RB transcriptional corepressor 1; plus strand). Cytogenetic location: 13q14.2.
Variant type: single nucleotide variant.
Coding change: c.746C>G on transcript NM_000321.3 (MANE Select); coding-DNA position 746, C replaced by G.
Protein change: p.Ser249Ter; replaces serine 249 with a stop codon.
Molecular consequence: nonsense.
Genome position (GRCh38, 1-based): chr13:48,362,842, C>G. VCF-style: chr13-48362842-C-G. GRCh37 (hg19) VCF-style: chr13-48936978-C-G.
Other names: c.746C>G, p.Ser249Ter (NM_001407165.1, NM_001407166.1); short protein forms S249*.
Identifiers: ClinVar variation 4543703 (VCV004543703.1).

ClinVar aggregate classification (germline): Pathogenic (1 of 4 stars; one submission).

Conditions:
Hereditary cancer-predisposing syndrome. Also called: Tumor predisposition; Hereditary Cancer Syndrome; Hereditary neoplastic syndrome; Neoplastic Syndromes, Hereditary. Identifiers: Orphanet 140162, MedGen C0027672, MeSH D009386, MONDO:0015356.

Submission:

Ambry Genetics
Classification: Pathogenic for Hereditary cancer-predisposing syndrome. Last evaluated: 2025-09-15. Review status: criteria provided, single submitter. Criteria: Ambry Variant Classification Scheme 2023. Collection method: clinical testing. Allele origin: germline.
Comment: The p.S249* pathogenic mutation (also known as c.746C>G), located in coding exon 8 of the RB1 gene, results from a C to G substitution at nucleotide position 746. This changes the amino acid from a serine to a stop codon within coding exon 8. This variant is considered to be rare based on population cohorts in the Genome Aggregation Database (gnomAD). This alteration is expected to result in loss of function by premature protein truncation or nonsense-mediated mRNA decay. As such, this alteration is interpreted as a disease-causing mutation.